The following is an entry in ClinVar:

ClinVar aggregate classification (germline): Uncertain significance (1 of 4 stars; one submission).

Conditions:
Noonan syndrome 8 (NS8). Identifiers: Orphanet 648, MedGen C3809233, MONDO:0014143, OMIM 615355.

Submission:

Labcorp Genetics (formerly Invitae), Labcorp
Classification: Uncertain significance for Noonan syndrome 8. Last evaluated: 2023-12-18. Review status: criteria provided, single submitter. Criteria: Invitae Variant Classification Sherloc (09022015). Collection method: clinical testing. Allele origin: germline.
Comment: This sequence change replaces glycine, which is neutral and non-polar, with alanine, which is neutral and non-polar, at codon 149 of the RIT1 protein (p.Gly149Ala). This variant is not present in population databases (gnomAD no frequency). This variant has not been reported in the literature in individuals affected with RIT1-related conditions. An algorithm developed to predict the effect of missense changes on protein structure and function (PolyPhen-2) suggests that this variant is likely to be disruptive. In summary, the available evidence is currently insufficient to determine the role of this variant in disease. Therefore, it has been classified as a Variant of Uncertain Significance.

NM_006912.6(RIT1):c.446G>C (p.Gly149Ala)

Gene: RIT1 (Ras like without CAAX 1; minus strand). Cytogenetic location: 1q22.
Variant type: single nucleotide variant.
Coding change: c.446G>C on transcript NM_006912.6 (MANE Select); coding-DNA position 446, G replaced by C.
Protein change: p.Gly149Ala; replaces glycine 149 with alanine.
Molecular consequence: missense variant.
Genome position (GRCh38, 1-based): chr1:155,900,602, C>G on the plus strand (G>C on the coding strand, the complement: RIT1 is on the minus strand). VCF-style: chr1-155900602-C-G. GRCh37 (hg19) VCF-style: chr1-155870393-C-G.
Other names: c.338G>C, p.Gly113Ala (NM_001256820.2); c.497G>C, p.Gly166Ala (NM_001256821.2); short protein forms G149A, G166A, G113A.
Identifiers: ClinVar variation 2856167 (VCV002856167.3), dbSNP rs2527171650, ClinGen allele CA342801596.